The following is an entry in ClinVar:

ClinVar aggregate classification (germline): Uncertain significance (1 of 4 stars; one submission).

gnomAD v4.1: 1 of 1,208,907 alleles (0.000083%); highest among the groups gnomAD compares: Non-Finnish European, 0.00011%; no homozygotes.

Submission:

GeneDx
Classification: Uncertain significance. Last evaluated: 2024-12-22. Review status: criteria provided, single submitter. Criteria: GeneDx Variant Classification Process June 2021. Collection method: clinical testing. Allele origin: germline. Affected: yes.
Comment: Not observed at significant frequency in large population cohorts (gnomAD); In silico analysis indicates that this missense variant does not alter protein structure/function; Has not been previously published as pathogenic or benign to our knowledge

NM_001368397.1(FRMPD4):c.190C>T (p.Pro64Ser)

Gene: FRMPD4 (FERM and PDZ domain containing 4; plus strand). Cytogenetic location: Xp22.2.
Variant type: single nucleotide variant.
Coding change: c.190C>T on transcript NM_001368397.1 (MANE Select); coding-DNA position 190, C replaced by T.
Protein change: p.Pro64Ser; replaces proline 64 with serine.
Molecular consequence: missense variant.
Genome position (GRCh38, 1-based): chrX:12,609,752, C>T. VCF-style: chrX-12609752-C-T. GRCh37 (hg19) VCF-style: chrX-12627871-C-T.
Other names: c.301C>T, p.Pro101Ser (NM_001368395.3, NM_001368398.3); c.190C>T, p.Pro64Ser (NM_001368396.3, NM_014728.3); c.181C>T, p.Pro61Ser (NM_001368399.3); c.70C>T, p.Pro24Ser (NM_001368400.3); c.166C>T, p.Pro56Ser (NM_001368401.1, NM_001368402.3); short protein forms P101S, P24S, P56S, P61S, P64S.
Identifiers: ClinVar variation 3906420 (VCV003906420.1).